The following is an entry in ClinVar:

ClinVar aggregate classification (germline): Uncertain significance (1 of 4 stars; one submission).

Conditions:
Cardiovascular phenotype. Identifiers: MedGen CN230736.

Allele frequency attached by ClinVar (database versions not stated): gnomAD 0.00001; TOPMed below 0.00001.
gnomAD v4.1: 1 of 1,614,074 alleles (0.000062%); highest among the groups gnomAD compares: African/African-American, 0.0013%; no homozygotes.

Submission:

Ambry Genetics
Classification: Uncertain significance for Cardiovascular phenotype. Last evaluated: 2025-10-23. Review status: criteria provided, single submitter. Criteria: Ambry Variant Classification Scheme 2023. Collection method: clinical testing. Allele origin: germline.
Comment: The p.I1081S variant (also known as c.3242T>G), located in coding exon 23 of the LAMA4 gene, results from a T to G substitution at nucleotide position 3242. The isoleucine at codon 1081 is replaced by serine, an amino acid with dissimilar properties. This amino acid position is conserved. In addition, the in silico prediction for this alteration is inconclusive. Since supporting evidence is limited at this time, the clinical significance of this alteration remains unclear.

NM_001105206.3(LAMA4):c.3263T>G (p.Ile1088Ser)

Gene: LAMA4 (laminin subunit alpha 4; minus strand). Cytogenetic location: 6q21.
Variant type: single nucleotide variant.
Coding change: c.3263T>G on transcript NM_001105206.3 (MANE Select); coding-DNA position 3263, T replaced by G.
Protein change: p.Ile1088Ser; replaces isoleucine 1088 with serine.
Molecular consequence: missense variant.
Genome position (GRCh38, 1-based): chr6:112,139,139, A>C on the plus strand (T>G on the coding strand, the complement: LAMA4 is on the minus strand). VCF-style: chr6-112139139-A-C. GRCh37 (hg19) VCF-style: chr6-112460341-A-C.
Other names: c.3242T>G, p.Ile1081Ser (NM_001105207.3, NM_002290.5); short protein forms I1088S, I1081S.
Identifiers: ClinVar variation 1729320 (VCV001729320.3), dbSNP rs1779527779, ClinGen allele CA365378841.